The following is an entry in ClinVar:

NM_001267550.2(TTN):c.10178C>T (p.Thr3393Ile)

Gene: TTN (titin; minus strand). Cytogenetic location: 2q31.2.
Variant type: single nucleotide variant.
Coding change: c.10178C>T on transcript NM_001267550.2 (MANE Select); coding-DNA position 10178, C replaced by T.
Protein change: p.Thr3393Ile; replaces threonine 3393 with isoleucine.
Molecular consequence: missense variant.
Genome position (GRCh38, 1-based): chr2:178,759,109, G>A on the plus strand (C>T on the coding strand, the complement: TTN is on the minus strand). VCF-style: chr2-178759109-G-A. GRCh37 (hg19) VCF-style: chr2-179623836-G-A.
Other names: c.10040C>T, p.Thr3347Ile (NM_003319.4, NM_133432.3, NM_133437.4); c.10178C>T, p.Thr3393Ile (NM_133378.4, NM_133379.5, NM_001256850.1); c.10178C>T (NM_001267550.1); short protein forms T3347I, T3393I.
Identifiers: ClinVar variation 915753 (VCV000915753.4), dbSNP rs752227022, ClinGen allele CA2004156.

ClinVar aggregate classification (germline): Uncertain significance. Review status: criteria provided, multiple submitters, no conflicts (2 of 4 stars). 3 submissions from 3 submitters: Uncertain significance (3). Last evaluated 2024-07-24.

Conditions:
Cardiomyopathy (CMYO). Also called: Cardiomyopathies. Identifiers: Orphanet 167848, MedGen C0878544, MONDO:0004994, HP:0001638. Inheritance: Various modes of inheritance.
Hypertrophic cardiomyopathy 9. Also called: Familial hypertrophic cardiomyopathy 9. Identifiers: MedGen C1861065, MONDO:0013412, OMIM 613765.
Tibial muscular dystrophy (TMD). Also called: UDD MYOPATHY; Udd Distal Myopathy – Tibial Muscular Dystrophy; Tibial muscular dystrophy, tardive. Identifiers: Orphanet 609, MedGen C1838244, MONDO:0010870, OMIM 600334.
Early-onset myopathy with fatal cardiomyopathy (CMYO5). Also called: Salih Myopathy; CONGENITAL MYOPATHY 5 WITH CARDIOMYOPATHY. Identifiers: Orphanet 289377, MedGen C2673677, MONDO:0012714, OMIM 611705. Disease mechanism: loss of function.
Autosomal recessive limb-girdle muscular dystrophy type 2J (LGMDR10). Also called: Limb-girdle muscular dystrophy, type 2J; MUSCULAR DYSTROPHY, LIMB-GIRDLE, AUTOSOMAL RECESSIVE 10. Identifiers: Orphanet 140922, MedGen C1837342, MONDO:0012127, OMIM 608807.
Myopathy, myofibrillar, 9, with early respiratory failure (MFM9). Also called: MYOPATHY, PROXIMAL, WITH EARLY RESPIRATORY MUSCLE INVOLVEMENT; Hereditary myopathy with early respiratory failure; EDSTROM MYOPATHY; Myopathy, distal, with early respiratory failure, autosomal dominant. Identifiers: Orphanet 178464, Orphanet 34521, MedGen C1863599, MONDO:0011362, OMIM 603689.
Dilated cardiomyopathy 1G (CMD1G). Identifiers: Orphanet 154, MedGen C1858763, MONDO:0011400, OMIM 604145.

Allele frequency attached by ClinVar (database versions not stated): ExAC 0.00002.
gnomAD v4.1: 4 of 1,613,966 alleles (0.00025%); highest among the groups gnomAD compares: South Asian, 0.0011%; no homozygotes.

Submissions (3):

GeneDx
Classification: Uncertain significance. Last evaluated: 2024-07-24. Review status: criteria provided, single submitter. Criteria: GeneDx Variant Classification Process June 2021. Collection method: clinical testing. Allele origin: germline. Affected: yes.
Comment: Not observed at significant frequency in large population cohorts (gnomAD); Missense variant in a gene in which most reported pathogenic variants are truncating/loss of function; Has not been previously published as pathogenic or benign to our knowledge; Located in a region of TTN within the I-band in which the majority of loss of function variants are significantly associated with autosomal dominant titinopathies (PMID: 27625338, 27869827)

Fulgent Genetics
Classification: Uncertain significance for Tibial muscular dystrophy; Myopathy, myofibrillar, 9, with early respiratory failure; Dilated cardiomyopathy 1G; Autosomal recessive limb-girdle muscular dystrophy type 2J; Early-onset myopathy with fatal cardiomyopathy; Hypertrophic cardiomyopathy 9. Last evaluated: 2021-08-19. Review status: criteria provided, single submitter. Criteria: ACMG Guidelines, 2015. Collection method: clinical testing. Allele origin: unknown.

CHEO Genetics Diagnostic Laboratory, Children's Hospital of Eastern Ontario
Classification: Uncertain significance for Cardiomyopathy. Last evaluated: 2018-02-16. Review status: criteria provided, single submitter. Criteria: ACMG Guidelines, 2015. Collection method: clinical testing. Allele origin: germline.